The following is an entry in ClinVar:

ClinVar aggregate classification (germline): Uncertain significance. Review status: criteria provided, multiple submitters, no conflicts (2 of 4 stars). 2 submissions from 2 submitters: Uncertain significance (2). Last evaluated 2025-01-17.

Conditions:
Predisposition to invasive fungal disease due to CARD9 deficiency (IMD103). Also called: CARD9 IMMUNODEFICIENCY; Candidiasis, familial, 2, autosomal recessive; IMMUNODEFICIENCY 103, SUSCEPTIBILITY TO FUNGAL INFECTIONS. Identifiers: Orphanet 457088, MedGen C1859353, MONDO:0008905, OMIM 212050.

Allele frequency attached by ClinVar (database versions not stated): ExAC below 0.00001; gnomAD 0.00004 and 0.00009; TOPMed 0.00009; gnomAD exomes 0.00018 and 0.00020; 1000 Genomes Project 0.00080; 1000 Genomes Project 30x 0.00094.
gnomAD v4.1: 281 of 1,539,110 alleles (0.018%); highest among the groups gnomAD compares: East Asian, 0.66%; 1 homozygote.

Submissions (2):

Labcorp Genetics (formerly Invitae), Labcorp
Classification: Uncertain significance for Predisposition to invasive fungal disease due to CARD9 deficiency. Last evaluated: 2025-01-17. Review status: criteria provided, single submitter. Criteria: Invitae Variant Classification Sherloc (09022015). Collection method: clinical testing. Allele origin: germline.
Comment: This sequence change replaces arginine, which is basic and polar, with histidine, which is basic and polar, at codon 494 of the CARD9 protein (p.Arg494His). This variant is present in population databases (rs149308743, gnomAD 0.2%). This missense change has been observed in individual(s) with leprosy (PMID: 28842327). ClinVar contains an entry for this variant (Variation ID: 976605). An algorithm developed to predict the effect of missense changes on protein structure and function (PolyPhen-2) suggests that this variant is likely to be disruptive. In summary, the available evidence is currently insufficient to determine the role of this variant in disease. Therefore, it has been classified as a Variant of Uncertain Significance.

Illumina Laboratory Services, Illumina
Classification: Uncertain significance for Predisposition to invasive fungal disease due to CARD9 deficiency. Last evaluated: 2018-01-13. Review status: criteria provided, single submitter. Criteria: ICSL Variant Classification Criteria 13 December 2019. Collection method: clinical testing. Allele origin: germline.

Literature cited by the submitters: PubMed 28842327 (cited by Labcorp Genetics (formerly Invitae), Labcorp).

NM_052813.5(CARD9):c.1481G>A (p.Arg494His)

Gene: CARD9 (caspase recruitment domain family member 9; minus strand). Cytogenetic location: 9q34.3.
Variant type: single nucleotide variant.
Coding change: c.1481G>A on transcript NM_052813.5 (MANE Select); coding-DNA position 1481, G replaced by A.
Protein change: p.Arg494His; replaces arginine 494 with histidine.
Molecular consequence: missense variant. On other transcripts: intron variant (1).
Genome position (GRCh38, 1-based): chr9:136,364,513, C>T on the plus strand (G>A on the coding strand, the complement: CARD9 is on the minus strand). VCF-style: chr9-136364513-C-T. GRCh37 (hg19) VCF-style: chr9-139258965-C-T.
Other names: c.1441+40G>A (NM_052814.4); short protein forms R494H.
Identifiers: ClinVar variation 976605 (VCV000976605.10), dbSNP rs149308743, ClinGen allele CA5332612.